The following is an entry in ClinVar:

ClinVar aggregate classification (germline): Uncertain significance (1 of 4 stars; one submission).

Conditions:
Inborn genetic diseases. Identifiers: MedGen C0950123, MeSH D030342.

gnomAD v4.1: 1 of 1,612,608 alleles (0.000062%); highest among the groups gnomAD compares: Non-Finnish European, 0.000085%; no homozygotes.

Submission:

Ambry Genetics
Classification: Uncertain significance for Inborn genetic diseases. Last evaluated: 2026-05-31. Review status: criteria provided, single submitter. Criteria: Ambry Variant Classification Scheme 2023. Collection method: clinical testing. Allele origin: germline.
Comment: The p.A1097V variant (also known as c.3290C>T), located in coding exon 31 of the RTEL1 gene, results from a C to T substitution at nucleotide position 3290. The alanine at codon 1097 is replaced by valine, an amino acid with similar properties. This amino acid position is conserved. In addition, the in silico prediction for this alteration is inconclusive. Based on the available evidence, the clinical significance of this variant remains unclear.

NM_001283009.2(RTEL1):c.3290C>T (p.Ala1097Val)

Genes: RTEL1 (regulator of telomere elongation helicase 1; plus strand), RTEL1-TNFRSF6B (RTEL1-TNFRSF6B readthrough (NMD candidate); plus strand). Cytogenetic location: 20q13.33.
Variant type: single nucleotide variant.
Coding change: c.3290C>T on transcript NM_001283009.2 (MANE Select); coding-DNA position 3290, C replaced by T.
Protein change: p.Ala1097Val; replaces alanine 1097 with valine.
Molecular consequence: missense variant. On other transcripts: non-coding transcript variant (1).
Genome position (GRCh38, 1-based): chr20:63,694,921, C>T. VCF-style: chr20-63694921-C-T. GRCh37 (hg19) VCF-style: chr20-62326274-C-T.
Other names: c.2621C>T, p.Ala874Val (NM_001283010.1); c.3290C>T, p.Ala1097Val (NM_016434.4); c.3362C>T, p.Ala1121Val (NM_032957.5); short protein forms A1097V, A1121V, A874V.
Identifiers: ClinVar variation 4863610 (VCV004863610.1).
Genomic context (GRCh38, chr20:63,694,921, plus strand): 5'-GCCAACTCTTGGCAGCGCTGACAGCCTATAAGCAAGACGACGACCTCGACAAGGTGCTGG[C>T]TGTGTTGGCCGCCCTGACCACTGCAAAGCCAGAGGACTTCCCCCTGCTGCACAGCAAGTG-3'
Protein context (NP_001269938.1, residues 1087-1107): KQDDDLDKVL[Ala1097Val]VLAALTTAKP